The following is an entry in ClinVar:

NM_002087.4(GRN):c.267C>T (p.Ala89=)

Gene: GRN (granulin precursor; plus strand). Cytogenetic location: 17q21.31.
Variant type: single nucleotide variant.
Coding change: c.267C>T on transcript NM_002087.4 (MANE Select); coding-DNA position 267, C replaced by T.
Protein change: p.Ala89=; no amino-acid change (alanine 89 retained).
Molecular consequence: synonymous variant.
Genome position (GRCh38, 1-based): chr17:44,349,669, C>T. VCF-style: chr17-44349669-C-T. GRCh37 (hg19) VCF-style: chr17-42427037-C-T.
Other names: c.267C>T (NM_002087.3).
Identifiers: ClinVar variation 1598641 (VCV001598641.12), dbSNP rs201699327, ClinGen allele CA8601820.

ClinVar aggregate classification (germline): Benign/Likely benign. Review status: criteria provided, multiple submitters, no conflicts (2 of 4 stars). 3 submissions from 3 submitters: Benign (1); Likely benign (1). 1 of the submissions does not count toward it. Last evaluated 2026-01-15.

Conditions:
GRN-related frontotemporal lobar degeneration with Tdp43 inclusions (FTD2). Also called: GRN Frontotemporal Dementia; FRONTOTEMPORAL DEMENTIA WITH TDP43 INCLUSIONS, GRN-RELATED; DEMENTIA, HEREDITARY DYSPHASIC DISINHIBITION; FRONTOTEMPORAL LOBAR DEGENERATION WITH UBIQUITIN-POSITIVE INCLUSIONS; FTLD-TDP, GRN-RELATED. Identifiers: Orphanet 100070, Orphanet 282, MedGen C1843792, MONDO:0011842, OMIM 607485. Disease mechanism: loss of function.
Neuronal ceroid lipofuscinosis 11. Also called: GRN-Related Neuronal Ceroid-Lipofuscinosis. Identifiers: Orphanet 314629, Orphanet 79262, MedGen C3539123, MONDO:0013866, OMIM 614706.
GRN-related disorder. Also called: GRN-related disorders; GRN-related condition.
Inborn genetic diseases. Identifiers: MedGen C0950123, MeSH D030342.

Allele frequency attached by ClinVar (database versions not stated): gnomAD 0.00001 and 0.00015; TOPMed 0.00003; ESP Exome Variant Server 0.00008; gnomAD exomes 0.00056; 1000 Genomes Project 30x 0.00062; ExAC 0.00066; 1000 Genomes Project 0.00080.
gnomAD v4.1: 428 of 1,612,530 alleles (0.027%); highest among the groups gnomAD compares: South Asian, 0.43%; 7 homozygotes.

Submissions (3):

Labcorp Genetics (formerly Invitae), Labcorp
Classification: Benign for Neuronal ceroid lipofuscinosis 11; GRN-related frontotemporal lobar degeneration with Tdp43 inclusions. Last evaluated: 2026-01-15. Review status: criteria provided, single submitter. Criteria: Invitae Variant Classification Sherloc (09022015). Collection method: clinical testing. Allele origin: germline.

Ambry Genetics
Classification: Likely benign for Inborn genetic diseases. Last evaluated: 2019-02-11. Review status: criteria provided, single submitter. Criteria: Ambry Variant Classification Scheme 2023. Collection method: clinical testing. Allele origin: germline.

PreventionGenetics, part of Exact Sciences
Classification: Likely benign for GRN-related condition. Last evaluated: 2019-09-17. Review status: no assertion criteria provided. Collection method: clinical testing. Allele origin: germline. Not counted in ClinVar's aggregate classification.
Comment: This variant is classified as likely benign based on ACMG/AMP sequence variant interpretation guidelines (Richards et al. 2015 PMID: 25741868, with internal and published modifications).